The following is an entry in ClinVar:

NM_002485.5(NBN):c.545A>G (p.Lys182Arg)

Gene: NBN (nibrin; minus strand). Cytogenetic location: 8q21.3.
Variant type: single nucleotide variant.
Coding change: c.545A>G on transcript NM_002485.5 (MANE Select); coding-DNA position 545, A replaced by G.
Protein change: p.Lys182Arg; replaces lysine 182 with arginine.
Molecular consequence: missense variant.
Genome position (GRCh38, 1-based): chr8:89,978,259, T>C on the plus strand (A>G on the coding strand, the complement: NBN is on the minus strand). VCF-style: chr8-89978259-T-C. GRCh37 (hg19) VCF-style: chr8-90990487-T-C.
Other names: c.299A>G, p.Lys100Arg (NM_001024688.3); short protein forms K100R, K182R.
Identifiers: ClinVar variation 2566723 (VCV002566723.4), dbSNP rs2488343796, ClinGen allele CA371660236.

ClinVar aggregate classification (germline): Uncertain significance. Review status: criteria provided, multiple submitters, no conflicts (2 of 4 stars). 2 submissions from 2 submitters: Uncertain significance (2). Last evaluated 2025-09-10.

Conditions:
Hereditary cancer-predisposing syndrome. Also called: Neoplastic Syndromes, Hereditary; Hereditary Cancer Syndrome; Tumor predisposition; Hereditary neoplastic syndrome. Identifiers: Orphanet 140162, MedGen C0027672, MeSH D009386, MONDO:0015356.
Microcephaly, normal intelligence and immunodeficiency (NBS). Also called: IMMUNODEFICIENCY, MICROCEPHALY, AND CHROMOSOMAL INSTABILITY; Ataxia telangiectasia variant V1; SEEMANOVA SYNDROME II; Immunodeficiency, microcephaly with normal intelligence; BERLIN BREAKAGE SYNDROME; Nijmegen breakage syndrome. Identifiers: Orphanet 647, MedGen C0398791, MONDO:0009623, OMIM 251260.

Submissions (2):

Ambry Genetics
Classification: Uncertain significance for Hereditary cancer-predisposing syndrome. Last evaluated: 2025-09-10. Review status: criteria provided, single submitter. Criteria: Ambry Variant Classification Scheme 2023. Collection method: clinical testing. Allele origin: germline.
Comment: The p.K182R variant (also known as c.545A>G), located in coding exon 5 of the NBN gene, results from an A to G substitution at nucleotide position 545. The lysine at codon 182 is replaced by arginine, an amino acid with highly similar properties. In one study, this alteration was observed in 1/3236 cases with invasive epithelial ovarian cancer and 0/3431 controls (Ramus SJ et al. J Natl Cancer Inst, 2015 Nov;107 (11)). This amino acid position is not well conserved in available vertebrate species. In addition, this alteration is predicted to be tolerated by in silico analysis. Since supporting evidence is limited at this time, the clinical significance of this alteration remains unclear.

Labcorp Genetics (formerly Invitae), Labcorp
Classification: Uncertain significance for Microcephaly, normal intelligence and immunodeficiency. Last evaluated: 2025-02-05. Review status: criteria provided, single submitter. Criteria: Invitae Variant Classification Sherloc (09022015). Collection method: clinical testing. Allele origin: germline.
Comment: This sequence change replaces lysine, which is basic and polar, with arginine, which is basic and polar, at codon 182 of the NBN protein (p.Lys182Arg). This variant is not present in population databases (gnomAD no frequency). This variant has not been reported in the literature in individuals affected with NBN-related conditions. ClinVar contains an entry for this variant (Variation ID: 2566723). An algorithm developed to predict the effect of missense changes on protein structure and function (PolyPhen-2) suggests that this variant is likely to be tolerated. In summary, the available evidence is currently insufficient to determine the role of this variant in disease. Therefore, it has been classified as a Variant of Uncertain Significance.

Literature cited by the submitters: PubMed 26315354 (cited by Ambry Genetics).